The following is an entry in ClinVar:

ClinVar aggregate classification (germline): Uncertain significance (1 of 4 stars; one submission).

Conditions:
Neuropathy, hereditary sensory and autonomic, type 2A (HSAN2A). Also called: ACROOSTEOLYSIS, GIACCAI TYPE; ACROOSTEOLYSIS, NEUROGENIC; WNK1-Related HSAN2 (HSAN2A); NEUROPATHY, HEREDITARY SENSORY RADICULAR, AUTOSOMAL RECESSIVE; MORVAN DISEASE; NEUROPATHY, CONGENITAL SENSORY. Identifiers: Orphanet 970, MedGen C2752089, MONDO:0024309, OMIM 201300.
Generalized epilepsy with febrile seizures plus, type 7 (GEFSP7). Also called: GEFS+, TYPE 7. Identifiers: Orphanet 36387, MedGen C2751778, MONDO:0013470, OMIM 613863.

Submission:

Labcorp Genetics (formerly Invitae), Labcorp
Classification: Uncertain significance for Neuropathy, hereditary sensory and autonomic, type 2A; Generalized epilepsy with febrile seizures plus, type 7. Last evaluated: 2025-06-02. Review status: criteria provided, single submitter. Criteria: Invitae Variant Classification Sherloc (09022015). Collection method: clinical testing. Allele origin: germline.
Comment: This sequence change replaces tyrosine, which is neutral and polar, with asparagine, which is neutral and polar, at codon 1103 of the SCN9A protein (p.Tyr1103Asn). This variant is not present in population databases (gnomAD no frequency). This variant has not been reported in the literature in individuals affected with SCN9A-related conditions. Invitae Evidence Modeling of protein sequence and biophysical properties (such as structural, functional, and spatial information, amino acid conservation, physicochemical variation, residue mobility, and thermodynamic stability) indicates that this missense variant is not expected to disrupt SCN9A protein function with a negative predictive value of 95%. In summary, the available evidence is currently insufficient to determine the role of this variant in disease. Therefore, it has been classified as a Variant of Uncertain Significance.

NM_001365536.1(SCN9A):c.3340T>A (p.Tyr1114Asn)

Genes: SCN9A (sodium voltage-gated channel alpha subunit 9; minus strand), SCN1A-AS1 (SCN1A and SCN9A antisense RNA 1; plus strand). Cytogenetic location: 2q24.3.
Variant type: single nucleotide variant.
Coding change: c.3340T>A on transcript NM_001365536.1 (MANE Select); coding-DNA position 3340, T replaced by A.
Protein change: p.Tyr1114Asn; replaces tyrosine 1114 with asparagine.
Molecular consequence: missense variant.
Genome position (GRCh38, 1-based): chr2:166,272,410, A>T on the plus strand (T>A on the coding strand, the complement: SCN9A is on the minus strand). VCF-style: chr2-166272410-A-T. GRCh37 (hg19) VCF-style: chr2-167128920-A-T.
Other names: c.3307T>A, p.Tyr1103Asn (NM_002977.4); short protein forms Y1103N, Y1114N.
Identifiers: ClinVar variation 4783390 (VCV004783390.1).
Genomic context (GRCh38, chr2:166,272,410, plus strand): 5'-TTCATACTAATTGTTAATATGAAACACAAAGTATATGAAGCATTCTTACCACTTTGCTGT[A>T]TTCACTATCCGAATCACTGCTAAGTTCCTCAGCATTCATATTTTCCAAATCGGATTCCCC-3'
Protein context (NP_001352465.1, residues 1104-1124): EELSSDSDSE[Tyr1114Asn]SKVRLNRSSS